The following is an entry in ClinVar:

ClinVar aggregate classification (germline): Uncertain significance (1 of 4 stars; one submission).

Conditions:
Rubinstein-Taybi syndrome due to EP300 haploinsufficiency. Also called: EP300-Related Rubinstein-Taybi Syndrome; RUBINSTEIN-TAYBI SYNDROME 2. Identifiers: Orphanet 353284, Orphanet 783, MedGen C3150941, MONDO:0013364, OMIM 613684.

gnomAD v4.1: 6 of 1,614,124 alleles (0.00037%); highest among the groups gnomAD compares: Non-Finnish European, 0.00051%; no homozygotes.

Submission:

Labcorp Genetics (formerly Invitae), Labcorp
Classification: Uncertain significance for Rubinstein-Taybi syndrome due to EP300 haploinsufficiency. Last evaluated: 2025-06-29. Review status: criteria provided, single submitter. Criteria: Invitae Variant Classification Sherloc (09022015). Collection method: clinical testing. Allele origin: germline.
Comment: This sequence change replaces arginine, which is basic and polar, with glutamine, which is neutral and polar, at codon 2088 of the EP300 protein (p.Arg2088Gln). This variant is not present in population databases (gnomAD no frequency). This variant has not been reported in the literature in individuals affected with EP300-related conditions. Invitae Evidence Modeling of protein sequence and biophysical properties (such as structural, functional, and spatial information, amino acid conservation, physicochemical variation, residue mobility, and thermodynamic stability) indicates that this missense variant is not expected to disrupt EP300 protein function with a negative predictive value of 80%. In summary, the available evidence is currently insufficient to determine the role of this variant in disease. Therefore, it has been classified as a Variant of Uncertain Significance.

NM_001429.4(EP300):c.6263G>A (p.Arg2088Gln)

Gene: EP300 (EP300 lysine acetyltransferase; plus strand). Cytogenetic location: 22q13.2.
Variant type: single nucleotide variant.
Coding change: c.6263G>A on transcript NM_001429.4 (MANE Select); coding-DNA position 6263, G replaced by A.
Protein change: p.Arg2088Gln; replaces arginine 2088 with glutamine.
Molecular consequence: missense variant.
Genome position (GRCh38, 1-based): chr22:41,177,974, G>A. VCF-style: chr22-41177974-G-A. GRCh37 (hg19) VCF-style: chr22-41573978-G-A.
Other names: c.6185G>A, p.Arg2062Gln (NM_001362843.2); short protein forms R2088Q, R2062Q.
Identifiers: ClinVar variation 4747669 (VCV004747669.1).